The following is an entry in ClinVar:

NM_001190737.2(NFIB):c.31-12T>A

Gene: NFIB (nuclear factor I B; minus strand). Cytogenetic location: 9p22.3.
Variant type: single nucleotide variant.
Coding change: c.31-12T>A on transcript NM_001190737.2 (MANE Select); 12 bases into the intron before coding-DNA position 31, T replaced by A.
Molecular consequence: intron variant.
Genome position (GRCh38, 1-based): chr9:14,307,532, A>T on the plus strand (T>A on the coding strand, the complement: NFIB is on the minus strand). VCF-style: chr9-14307532-A-T. GRCh37 (hg19) VCF-style: chr9-14307531-A-T.
Other names: c.31-12T>A (NM_005596.3, NM_001369475.1, NM_001369477.1 and 4 more transcripts); c.97-12T>A (NM_001369468.1, NM_001369462.1, NM_001369459.1 and 1 more transcripts); c.109-12T>A (NM_001190738.2); c.19-12T>A (NM_001369478.1, NM_001369470.1, NM_001369473.1 and 4 more transcripts); c.-114-12T>A (NM_001369469.1); c.4-12T>A (NM_001369476.1, NM_001369467.1, NM_001369465.1); c.16-12T>A (NM_001369474.1).
Identifiers: ClinVar variation 2692430 (VCV002692430.1), dbSNP rs1265735904, ClinGen allele CA2697557675.

ClinVar aggregate classification (germline): Uncertain significance (1 of 4 stars; one submission).

Submission:

Greenwood Genetic Center Diagnostic Laboratories, Greenwood Genetic Center
Classification: Uncertain significance. Last evaluated: 2023-10-02. Review status: criteria provided, single submitter. Criteria: ACMG Guidelines, 2015. Collection method: clinical testing. Allele origin: germline. Affected: yes.
Comment: PM2